The following is an entry in ClinVar:

ClinVar aggregate classification (germline): Benign (1 of 4 stars; one submission).

Allele frequency attached by ClinVar (database versions not stated): gnomAD 0.78892; TOPMed 0.80285; 1000 Genomes Project 30x 0.83267; 1000 Genomes Project 0.83656.

Submission:

GeneDx
Classification: Benign. Last evaluated: 2018-06-14. Review status: criteria provided, single submitter. Criteria: GeneDx Variant Classification (06012015). Collection method: clinical testing. Allele origin: germline. Affected: yes.
Comment: This variant is considered likely benign or benign based on one or more of the following criteria: it is a conservative change, it occurs at a poorly conserved position in the protein, it is predicted to be benign by multiple in silico algorithms, and/or has population frequency not consistent with disease.

NM_004006.3(DMD):c.9224+9457G>T

Gene: DMD (dystrophin; minus strand). Cytogenetic location: Xp21.2.
Variant type: single nucleotide variant.
Coding change: c.9224+9457G>T on transcript NM_004006.3 (MANE Select); 9457 bases into the intron after coding-DNA position 9224, G replaced by T.
Molecular consequence: intron variant.
Genome position (GRCh38, 1-based): chrX:31,314,141, C>A on the plus strand (G>T on the coding strand, the complement: DMD is on the minus strand). VCF-style: chrX-31314141-C-A. GRCh37 (hg19) VCF-style: chrX-31332258-C-A.
Other names: c.9200+9457G>T (NM_000109.4); c.5201+9457G>T (NM_004011.4); c.5192+9457G>T (NM_004012.4); c.1844+9457G>T (NM_004023.3, NM_004020.4, NM_004022.3 and 2 more transcripts); c.1037+9457G>T (NM_004014.3); c.9212+9457G>T (NM_004009.3); c.8855+9457G>T (NM_004010.3).
Identifiers: ClinVar variation 680538 (VCV000680538.1), dbSNP rs2404506, ClinGen allele CA328417095.